The following is an entry in ClinVar:

ClinVar aggregate classification (germline): Pathogenic/Likely pathogenic. Review status: criteria provided, multiple submitters, no conflicts (2 of 4 stars). 3 submissions from 3 submitters: Pathogenic (2); Likely pathogenic (1). Last evaluated 2025-08-21.

Conditions:
FZD4-related disorder. Also called: FZD4-related condition.

Submissions (3):

Labcorp Genetics (formerly Invitae), Labcorp
Classification: Pathogenic. Last evaluated: 2025-08-21. Review status: criteria provided, single submitter. Criteria: Invitae Variant Classification Sherloc (09022015). Collection method: clinical testing. Allele origin: germline.
Comment: This sequence change replaces cysteine, which is neutral and slightly polar, with tyrosine, which is neutral and polar, at codon 204 of the FZD4 protein (p.Cys204Tyr). This variant is not present in population databases (gnomAD no frequency). This missense change has been observed in individuals with familial exudative vitreoretinopathy (PMID: 20340138, 36411543; internal data). It has also been observed to segregate with disease in related individuals. ClinVar contains an entry for this variant (Variation ID: 419719). Invitae Evidence Modeling of protein sequence and biophysical properties (such as structural, functional, and spatial information, amino acid conservation, physicochemical variation, residue mobility, and thermodynamic stability) indicates that this missense variant is expected to disrupt FZD4 protein function with a positive predictive value of 80%. Experimental studies have shown that this missense change affects FZD4 function (PMID: 24744206). This variant disrupts the p.Cys204 amino acid residue in FZD4. Other variant(s) that disrupt this residue have been determined to be pathogenic (PMID: 17093393, 24744206). This suggests that this residue is clinically significant, and that variants that disrupt this residue are likely to be disease-causing. For these reasons, this variant has been classified as Pathogenic.

Blueprint Genetics
Classification: Likely pathogenic for FZD4-related disorders. Last evaluated: 2019-03-26. Review status: criteria provided, single submitter. Criteria: ACMG Guidelines, 2015. Collection method: clinical testing. Allele origin: germline. Affected: yes. Observed: 2 variant alleles.

GeneDx
Classification: Pathogenic. Last evaluated: 2015-08-27. Review status: criteria provided, single submitter. Criteria: GeneDx Variant Classification (06012015). Collection method: clinical testing. Allele origin: germline. Affected: yes.
Comment: The C204Y variant in the FZD4 gene has been reported in association with familial exudative vitroretinopathy (Nikopoulos et al. 2010). In vitro functional studies demonstrated that the presence of the C204Y variant results in the protein being exclusively retained within the endoplasmic reticulum (Milhem et al. 2014). C204Y was not observed in approximately 6,500 individuals of European and African American ancestry in the NHLBI Exome Sequencing Project, indicating it is not a common benign variant in these populations. The C204Y variant is a non-conservative amino acid substitution that occurs at a position that is conserved across species. Therefore, we interpret C204Y as a pathogenic variant.

Literature cited by the submitters: PubMed 20340138 (cited by Labcorp Genetics (formerly Invitae), Labcorp); PubMed 36411543 (cited by Labcorp Genetics (formerly Invitae), Labcorp); PubMed 24744206 (cited by Labcorp Genetics (formerly Invitae), Labcorp); PubMed 17093393 (cited by Labcorp Genetics (formerly Invitae), Labcorp).

NM_012193.4(FZD4):c.611G>A (p.Cys204Tyr)

Genes: FZD4 (frizzled class receptor 4; minus strand), PRSS23 (serine protease 23; plus strand). Cytogenetic location: 11q14.2.
Variant type: single nucleotide variant.
Coding change: c.611G>A on transcript NM_012193.4 (MANE Select); coding-DNA position 611, G replaced by A.
Protein change: p.Cys204Tyr; replaces cysteine 204 with tyrosine.
Molecular consequence: missense variant. On other transcripts: non-coding transcript variant (2).
Genome position (GRCh38, 1-based): chr11:86,952,145, C>T on the plus strand (G>A on the coding strand, the complement: FZD4 is on the minus strand). VCF-style: chr11-86952145-C-T. GRCh37 (hg19) VCF-style: chr11-86663187-C-T.
Other names: short protein forms C204Y.
Identifiers: ClinVar variation 419719 (VCV000419719.10), dbSNP rs1064794064, ClinGen allele CA16619414.